The following is an entry in ClinVar:

ClinVar aggregate classification (germline): Pathogenic/Likely pathogenic. Review status: criteria provided, multiple submitters, no conflicts (2 of 4 stars). 2 submissions from 2 submitters: Pathogenic (1); Likely pathogenic (1). Last evaluated 2024-04-21.

Conditions:
Familial dysautonomia. Also called: FD; HSAN III. Identifiers: Orphanet 1764, MedGen C0013364, MONDO:0009131, OMIM 223900. Disease mechanism: loss of function.

gnomAD v4.1: 1 of 1,613,638 alleles (0.000062%); highest among the groups gnomAD compares: Non-Finnish European, 0.000085%; no homozygotes.

Submissions (2):

Natera, Inc.
Classification: Likely pathogenic for Familial dysautonomia. Last evaluated: 2024-04-21. Review status: criteria provided, single submitter. Criteria: Natera Variant Classification Schema (03/2026). Collection method: clinical testing. Allele origin: germline.
Comment: The c.1831G>T variant in ELP1 is a nonsense variant predicted to introduce a stop codon at amino acid 611. This variant is expected to result in nonsense mediated decay, truncation, or a dysfunctional protein product. This variant is rare in the general population with a frequency below the threshold expected for the associated phenotype(s). Given the available evidence, this variant is classified as Likely Pathogenic.

Myriad Genetics, Inc.
Classification: Pathogenic for Familial dysautonomia. Last evaluated: 2024-02-29. Review status: criteria provided, single submitter. Criteria: Myriad Autosomal Dominant, Autosomal Recessive and X-Linked Classification Criteria (2023). Collection method: clinical testing. Allele origin: unknown.
Comment: NM_003640.3(ELP1):c.1831G>T(E611*) is expected to be pathogenic in the context of familial dysautonomia. This variant is predicted to lead to an abnormal or absent protein product due to the creation of a premature termination codon in ELP1, a gene where loss-of-function variants are known to be pathogenic. Please note: this variant was assessed in the context of healthy population screening.

NM_003640.5(ELP1):c.1831G>T (p.Glu611Ter)

Gene: ELP1 (elongator acetyltransferase complex subunit 1; minus strand). Cytogenetic location: 9q31.3.
Variant type: single nucleotide variant.
Coding change: c.1831G>T on transcript NM_003640.5 (MANE Select); coding-DNA position 1831, G replaced by T.
Protein change: p.Glu611Ter; replaces glutamic acid 611 with a stop codon.
Molecular consequence: nonsense.
Genome position (GRCh38, 1-based): chr9:108,902,862, C>A on the plus strand (G>T on the coding strand, the complement: ELP1 is on the minus strand). VCF-style: chr9-108902862-C-A. GRCh37 (hg19) VCF-style: chr9-111665142-C-A.
Other names: c.1489G>T, p.Glu497Ter (NM_001318360.2); c.784G>T, p.Glu262Ter (NM_001330749.2); short protein forms E262*, E497*, E611*.
Identifiers: ClinVar variation 4815181 (VCV004815181.2).